The following is an entry in ClinVar:

NM_003647.3(DGKE):c.64C>T (p.Leu22=)

Gene: DGKE (diacylglycerol kinase epsilon; plus strand). Cytogenetic location: 17q22.
Variant type: single nucleotide variant.
Coding change: c.64C>T on transcript NM_003647.3 (MANE Select); coding-DNA position 64, C replaced by T.
Protein change: p.Leu22=; no amino-acid change (leucine 22 retained).
Molecular consequence: synonymous variant.
Genome position (GRCh38, 1-based): chr17:56,834,859, C>T. VCF-style: chr17-56834859-C-T. GRCh37 (hg19) VCF-style: chr17-54912220-C-T.
Identifiers: ClinVar variation 1694854 (VCV001694854.33), dbSNP rs938951070, ClinGen allele CA500681866.

ClinVar aggregate classification (germline): Likely benign. Review status: criteria provided, multiple submitters, no conflicts (2 of 4 stars). 2 submissions from 2 submitters: Likely benign (2). Last evaluated 2024-07-30.

gnomAD v4.1: 15 of 1,612,536 alleles (0.00093%); highest among the groups gnomAD compares: Non-Finnish European, 0.0012%; no homozygotes.

Submissions (2):

Labcorp Genetics (formerly Invitae), Labcorp
Classification: Likely benign. Last evaluated: 2024-07-30. Review status: criteria provided, single submitter. Criteria: Invitae Variant Classification Sherloc (09022015). Collection method: clinical testing. Allele origin: germline.

CeGaT Center for Human Genetics Tuebingen
Classification: Likely benign. Last evaluated: 2022-04-01. Review status: criteria provided, single submitter. Criteria: CeGaT Center For Human Genetics Tuebingen Variant Classification Criteria Version 2. Collection method: clinical testing. Allele origin: germline. Affected: yes. Observed: 1 variant allele.
Comment: DGKE: BP4, BP7